The following is an entry in ClinVar:

ClinVar aggregate classification (germline): Uncertain significance (1 of 4 stars; one submission).

Submission:

Labcorp Genetics (formerly Invitae), Labcorp
Classification: Uncertain significance. Last evaluated: 2024-07-16. Review status: criteria provided, single submitter. Criteria: Invitae Variant Classification Sherloc (09022015). Collection method: clinical testing. Allele origin: germline.
Comment: This variant, c.1783_1785del, results in the deletion of 1 amino acid(s) of the RGS9 protein (p.Val595del), but otherwise preserves the integrity of the reading frame. This variant is not present in population databases (gnomAD no frequency). This variant has not been reported in the literature in individuals affected with RGS9-related conditions. Experimental studies and prediction algorithms are not available or were not evaluated, and the functional significance of this variant is currently unknown. In summary, the available evidence is currently insufficient to determine the role of this variant in disease. Therefore, it has been classified as a Variant of Uncertain Significance.

NM_003835.4(RGS9):c.1783_1785del (p.Val595del)

Gene: RGS9 (regulator of G protein signaling 9; plus strand). Cytogenetic location: 17q24.1.
Variant type: Deletion.
Coding change: c.1783_1785del on transcript NM_003835.4 (MANE Select); coding-DNA positions 1783 to 1785, 3 bases deleted (GTC; older notation c.1783_1785delGTC).
Protein change: p.Val595del; deletes valine 595.
Genome position (GRCh38, 1-based): chr17:65,225,377-65,225,379, GTC deleted. VCF-style (leftmost placement, unchanged base first): chr17-65225376-TGTC-T. GRCh37 (hg19) VCF-style: chr17-63221494-TGTC-T.
Other names: c.1774_1776del, p.Val592del (NM_001081955.3); short protein forms V595del, V592del.
Identifiers: ClinVar variation 3659176 (VCV003659176.2).